The following is an entry in ClinVar:

ClinVar aggregate classification (germline): Uncertain significance (1 of 4 stars; one submission).

Conditions:
Inborn genetic diseases. Identifiers: MedGen C0950123, MeSH D030342.

Allele frequency attached by ClinVar (database versions not stated): gnomAD exomes below 0.00001.
gnomAD v4.1: 1 of 1,610,150 alleles (0.000062%); highest among the groups gnomAD compares: South Asian, 0.0011%; no homozygotes.

Submission:

Ambry Genetics
Classification: Uncertain significance for Inborn genetic diseases. Last evaluated: 2022-01-09. Review status: criteria provided, single submitter. Criteria: Ambry Variant Classification Scheme 2023. Collection method: clinical testing. Allele origin: germline.
Comment: The p.E334D variant (also known as c.1002G>T), located in coding exon 9 of the LRRK2 gene, results from a G to T substitution at nucleotide position 1002. The glutamic acid at codon 334 is replaced by aspartic acid, an amino acid with highly similar properties. This amino acid position is conserved. In addition, this alteration is predicted to be tolerated by in silico analysis. Since supporting evidence is limited at this time, the clinical significance of this alteration remains unclear.

NM_198578.4(LRRK2):c.1002G>T (p.Glu334Asp)

Gene: LRRK2 (leucine rich repeat kinase 2; plus strand). Cytogenetic location: 12q12.
Variant type: single nucleotide variant.
Coding change: c.1002G>T on transcript NM_198578.4 (MANE Select); coding-DNA position 1002, G replaced by T.
Protein change: p.Glu334Asp; replaces glutamic acid 334 with aspartic acid.
Molecular consequence: missense variant.
Genome position (GRCh38, 1-based): chr12:40,251,275, G>T. VCF-style: chr12-40251275-G-T. GRCh37 (hg19) VCF-style: chr12-40645077-G-T.
Other names: short protein forms E334D.
Identifiers: ClinVar variation 1773065 (VCV001773065.2), dbSNP rs1942258164, ClinGen allele CA384407783.